The following is an entry in ClinVar:

NM_000138.5(FBN1):c.3694G>A (p.Asp1232Asn)

Gene: FBN1 (fibrillin 1; minus strand). Cytogenetic location: 15q21.1.
Variant type: single nucleotide variant.
Coding change: c.3694G>A on transcript NM_000138.5 (MANE Select); coding-DNA position 3694, G replaced by A.
Protein change: p.Asp1232Asn; replaces aspartic acid 1232 with asparagine.
Molecular consequence: missense variant.
Genome position (GRCh38, 1-based): chr15:48,485,392, C>T on the plus strand (G>A on the coding strand, the complement: FBN1 is on the minus strand). VCF-style: chr15-48485392-C-T. GRCh37 (hg19) VCF-style: chr15-48777589-C-T.
Other names: c.3694G>A, p.Asp1232Asn (NM_001406716.1); short protein forms D1232N.
Identifiers: ClinVar variation 2951892 (VCV002951892.3), dbSNP rs2043497067, ClinGen allele CA392324335.
Genomic context (GRCh38, chr15:48,485,392, plus strand): 5'-GAACCTACTGAGAGATTCAACATGAGGCTAGAACCTACTCACCGGTGCATGATCTCTGGT[C>T]AGGCATTAGTGCAAATCCCGGCTGACAGCTACATTCATAGCTGCCTTCAGAGTTTGTGCA-3'
Protein context (NP_000129.3, residues 1222-1242): SCQPGFALMP[Asp1232Asn]QRSCTDIDEC

ClinVar aggregate classification (germline): Uncertain significance (1 of 4 stars; one submission).

Conditions:
Marfan syndrome (MFS). Also called: MARFAN SYNDROME, TYPE I; Marfan syndrome type 1; Marfan's syndrome; Marfan syndrome, classic; FBN1-Related Marfan Syndrome. Identifiers: Orphanet 284963, Orphanet 558, MedGen C0024796, MONDO:0007947, OMIM 154700.
Familial thoracic aortic aneurysm and aortic dissection (TAAD). Also called: Thoracic aortic aneurysms and dissections. Identifiers: Orphanet 91387, MedGen C4707243, MONDO:0019625.

Submission:

Labcorp Genetics (formerly Invitae), Labcorp
Classification: Uncertain significance for Marfan syndrome; Familial thoracic aortic aneurysm and aortic dissection. Last evaluated: 2024-11-05. Review status: criteria provided, single submitter. Criteria: Invitae Variant Classification Sherloc (09022015). Collection method: clinical testing. Allele origin: germline.
Comment: This sequence change replaces aspartic acid, which is acidic and polar, with asparagine, which is neutral and polar, at codon 1232 of the FBN1 protein (p.Asp1232Asn). This variant is not present in population databases (gnomAD no frequency). This variant has not been reported in the literature in individuals affected with FBN1-related conditions. ClinVar contains an entry for this variant (Variation ID: 2951892). Invitae Evidence Modeling of protein sequence and biophysical properties (such as structural, functional, and spatial information, amino acid conservation, physicochemical variation, residue mobility, and thermodynamic stability) indicates that this missense variant is expected to disrupt FBN1 protein function with a positive predictive value of 95%. In summary, the available evidence is currently insufficient to determine the role of this variant in disease. Therefore, it has been classified as a Variant of Uncertain Significance.